The following continues an entry in ClinVar:

NM_000059.4(BRCA2):c.2957dup (p.Asn986fs)

Gene: BRCA2. ClinVar aggregate classification (germline): Pathogenic. Pathogenic (1).

Submissions 10 to 23 of 23:

CeGaT Center for Human Genetics Tuebingen
Classification: Pathogenic. Last evaluated: 2023-11-01. Review status: criteria provided, single submitter. Criteria: CeGaT Center For Human Genetics Tuebingen Variant Classification Criteria Version 2. Collection method: clinical testing. Allele origin: germline. Affected: yes. Observed: 1 variant allele. Not counted in ClinVar's aggregate classification.
Comment: BRCA2: PVS1, PM2, PS4:Moderate

GeneDx
Classification: Pathogenic. Last evaluated: 2023-10-23. Review status: criteria provided, single submitter. Criteria: GeneDx Variant Classification Process June 2021. Collection method: clinical testing. Allele origin: germline. Affected: yes. Not counted in ClinVar's aggregate classification.
Comment: Frameshift variant predicted to result in protein truncation or nonsense mediated decay in a gene for which loss of function is a known mechanism of disease; Observed in individuals with a personal or family history consistent with pathogenic variants in this gene (PMID: 16683254, 24156927, 26219728); Truncating variants in this gene are considered pathogenic by a well-established clinical consortium and/or database; Not observed at significant frequency in large population cohorts (gnomAD); Also known as 3185dupA; This variant is associated with the following publications: (PMID: 26219728, 24156927, 16683254, 25685387, 32918181, 31892343, 30322717, 32318955, 30787465, 32295079, 33471991, 36623239)

All of Us Research Program, National Institutes of Health
Classification: Pathogenic for Breast-ovarian cancer, familial, susceptibility to, 2. Last evaluated: 2023-07-19. Review status: criteria provided, single submitter. Criteria: ACMG Guidelines, 2015. Collection method: clinical testing. Allele origin: germline. Inheritance: Autosomal dominant inheritance. Observed: 1 variant allele, 1 heterozygote. Not counted in ClinVar's aggregate classification.
Comment: This variant inserts 1 nucleotide in exon 11 of the BRCA2 gene, creating a frameshift and premature translation stop signal. This variant is expected to result in an absent or non-functional protein product. This variant has been reported in individuals with a personal or family history of breast, ovarian, pancreatic, or prostate cancer (PMID: 16683254, 24156927, 26219728, 29446198, 32918181) and in an unaffected individual (PMID: 33471991; Leiden Open Variation Database DB-ID BRCA2_001395). This variant has not been identified in the general population by the Genome Aggregation Database (gnomAD). Loss of BRCA2 function is a known mechanism of disease. Based on the available evidence, this variant is classified as Pathogenic.

This study involves interpretation of variants in research participants for the purpose of population health screening. Participant phenotype was not available at the time of variant classification. Additional details can be found in publication PMID: 35346344, PMCID: PMC8962531

Revvity Omics, Revvity
Classification: Pathogenic. Last evaluated: 2023-03-02. Review status: criteria provided, single submitter. Criteria: ACMG Guidelines, 2015. Collection method: clinical testing. Allele origin: germline. Not counted in ClinVar's aggregate classification.

Baylor Genetics
Classification: Pathogenic for Familial cancer of breast. Last evaluated: 2023-02-10. Review status: criteria provided, single submitter. Criteria: ACMG Guidelines, 2015. Collection method: clinical testing. Allele origin: unknown. Not counted in ClinVar's aggregate classification.

Women's Health and Genetics/Laboratory Corporation of America, LabCorp
Classification: Pathogenic for Hereditary breast ovarian cancer syndrome. Last evaluated: 2022-01-20. Review status: criteria provided, single submitter. Criteria: LabCorp Variant Classification Summary - May 2015. Collection method: clinical testing. Allele origin: germline. Not counted in ClinVar's aggregate classification.
Comment: Variant summary: BRCA2 c.2957dupA (p.Asn986LysfsX2) results in a premature termination codon, predicted to cause a truncation of the encoded protein or absence of the protein due to nonsense mediated decay, which are commonly known mechanisms for disease. Truncations downstream of this position have been classified as pathogenic by our laboratory. The variant was absent in 248532 control chromosomes (gnomAD). c.2957dupA has been reported in the literature in multiple individuals with personal and/or family history of tumors that belong to the Hereditary Breast and Ovarian Cancer Syndrome spectrum (e.g. van der Hout_2006, Tea_2014, Rebbeck_2018, Power_2021). These data indicate that the variant is very likely to be associated with disease. To our knowledge, no experimental evidence demonstrating an impact on protein function has been reported. Nine ClinVar submitters, including one expert panel (ENIGMA), have assessed the variant since 2014, and all of them classified the variant as pathogenic. Based on the evidence outlined above, the variant was classified as pathogenic.

Genomic Research Center, Shahid Beheshti University of Medical Sciences
Classification: Pathogenic for Hereditary breast and ovarian cancer syndrome. Last evaluated: 2020-05-03. Review status: criteria provided, single submitter. Criteria: ACMG Guidelines, 2015. Collection method: clinical testing. Allele origin: unknown. Affected: yes. Not counted in ClinVar's aggregate classification.

Consortium of Investigators of Modifiers of BRCA1/2 (CIMBA), c/o University of Cambridge
Classification: Pathogenic for Breast-ovarian cancer, familial, susceptibility to, 2. Last evaluated: 2015-10-02. Review status: criteria provided, single submitter. Criteria: CIMBA Mutation Classification guidelines May 2016. Collection method: clinical testing. Allele origin: germline. Not counted in ClinVar's aggregate classification.

Juno Genomics, Hangzhou Juno Genomics, Inc
Classification: Pathogenic for Familial cancer of breast; Breast-ovarian cancer, familial, susceptibility to, 2; Glioma susceptibility 3; Medulloblastoma; Pancreatic cancer, susceptibility to, 2; Familial prostate cancer; Fanconi anemia complementation group D1; Wilms tumor 1. Review status: criteria provided, single submitter. Criteria: ACMG Guidelines, 2015. Collection method: clinical testing. Allele origin: germline. Not counted in ClinVar's aggregate classification.
Comment: Absent from controls (or at extremely low frequency if recessive) in Genome Aggregation Database.;Null variant in a gene where loss of function (LOF) is a known mechanism of disease.;The prevalence of the variant in affected individuals is significantly increased compared to the prevalence in controls.

CZECANCA consortium
Classification: Pathogenic for Breast and/or ovarian cancer. Last evaluated: 2019-06-11. Review status: no assertion criteria provided. Collection method: clinical testing. Allele origin: germline. Affected: yes. Observed: 1 variant allele. Not counted in ClinVar's aggregate classification.

Research Molecular Genetics Laboratory, Women's College Hospital, University of Toronto
Classification: Pathogenic for Hereditary breast ovarian cancer syndrome. Last evaluated: 2014-01-31. Review status: no assertion criteria provided. Collection method: research. Allele origin: germline. Affected: yes. Study: The Canadian Open Genetics Repository (COGR). Not counted in ClinVar's aggregate classification.

Sharing Clinical Reports Project (SCRP)
Classification: Pathogenic for Breast-ovarian cancer, familial 2. Last evaluated: 2011-02-25. Review status: no assertion criteria provided. Collection method: clinical testing. Allele origin: germline. Not counted in ClinVar's aggregate classification.

Breast Cancer Information Core (BIC) (BRCA2)
Classification: Pathogenic for Breast-ovarian cancer, familial 2. Last evaluated: 2002-06-20. Review status: no assertion criteria provided. Collection method: clinical testing. Allele origin: germline. Affected: yes. Observed: 2 variant alleles. Not counted in ClinVar's aggregate classification.

Department of Pathology and Laboratory Medicine, Sinai Health System
Classification: Pathogenic for Malignant tumor of breast. Review status: no assertion criteria provided. Collection method: clinical testing. Allele origin: unknown. Affected: yes. Observed: 1 variant allele. Study: The Canadian Open Genetics Repository (COGR). Not counted in ClinVar's aggregate classification.
Comment: The p.Asn986LysfsX2 duplication variant was not identified in the literature but was identified in the BIC database 2x as clinically important. It is predicted to cause a frameshift, which alters the protein's amino acid sequence beginning at codon 986 and leads to a premature stop codon 2 codons downstream. This alteration is then predicted to result in a truncated or absent protein and loss of function. Loss of function variants of the BRCA2 gene are an established mechanism of disease for hereditary breast and ovarian cancer and is the type of variant expected to cause the disorder. In summary, based on the above information, this variant meets our criteria to be classified as pathogenic.

Literature cited by the submitters: PubMed 20104584 (cited by Labcorp Genetics (formerly Invitae), Labcorp and GeneKor MSA); PubMed 16683254 (cited by 7 submitters); PubMed 24156927 (cited by 7 submitters); PubMed 26219728 (cited by 6 submitters); PubMed 36623239 (cited by Quest Diagnostics Nichols Institute San Juan Capistrano); PubMed 32073954 (cited by Quest Diagnostics Nichols Institute San Juan Capistrano); PubMed 30322717 (cited by Quest Diagnostics Nichols Institute San Juan Capistrano); PubMed 32318955 (cited by Quest Diagnostics Nichols Institute San Juan Capistrano); PubMed 29446198 (cited by 6 submitters); PubMed 32918181 (cited by 4 submitters); PubMed 33471991 (cited by 3 submitters); PubMed 21702907 (cited by Women's Health and Genetics/Laboratory Corporation of America, LabCorp); PubMed 23929434 (cited by Women's Health and Genetics/Laboratory Corporation of America, LabCorp); PubMed 18403564 (cited by Women's Health and Genetics/Laboratory Corporation of America, LabCorp); PubMed 32295079 (cited by CZECANCA consortium).